The following is an entry in ClinVar:

NM_001100913.3(PACS2):c.252dup (p.Ser85fs)

Gene: PACS2 (phosphofurin acidic cluster sorting protein 2; plus strand). Cytogenetic location: 14q32.33.
Variant type: Duplication.
Coding change: c.252dup on transcript NM_001100913.3 (MANE Select); coding-DNA position 252, one base duplicated (C; older notation c.252dupC).
Protein change: p.Ser85fs; shifts the reading frame from serine 85.
Molecular consequence: frameshift variant.
Genome position (GRCh38, 1-based): chr14:105,352,422, C duplicated; the last of 6 consecutive C bases (chr14:105,352,417-105,352,422); duplicating any one gives the same sequence. VCF-style (leftmost placement, unchanged base first): chr14-105352416-G-GC. GRCh37 (hg19) VCF-style: chr14-105818753-G-GC.
Other names: c.51dup, p.Ser18fs (NM_001243127.3); c.252dup, p.Ser85fs (NM_015197.4); short protein forms S18fs, S85fs.
Identifiers: ClinVar variation 3663356 (VCV003663356.2).

ClinVar aggregate classification (germline): Uncertain significance (1 of 4 stars; one submission).

Submission:

Labcorp Genetics (formerly Invitae), Labcorp
Classification: Uncertain significance. Last evaluated: 2024-08-24. Review status: criteria provided, single submitter. Criteria: Invitae Variant Classification Sherloc (09022015). Collection method: clinical testing. Allele origin: germline.
Comment: This sequence change creates a premature translational stop signal (p.Ser85Glnfs*57) in the PACS2 gene. It is expected to result in an absent or disrupted protein product. However, the current clinical and genetic evidence is not sufficient to establish whether loss-of-function variants in PACS2 cause disease. This variant is present in population databases (rs782816086, gnomAD 0.03%). This variant has not been reported in the literature in individuals affected with PACS2-related conditions. In summary, the available evidence is currently insufficient to determine the role of this variant in disease. Therefore, it has been classified as a Variant of Uncertain Significance.